The following is an entry in ClinVar:

NM_001261826.3(AP3D1):c.556C>A (p.Pro186Thr)

Gene: AP3D1 (adaptor related protein complex 3 subunit delta 1; minus strand). Cytogenetic location: 19p13.3.
Variant type: single nucleotide variant.
Coding change: c.556C>A on transcript NM_001261826.3 (MANE Select); coding-DNA position 556, C replaced by A.
Protein change: p.Pro186Thr; replaces proline 186 with threonine.
Molecular consequence: missense variant.
Genome position (GRCh38, 1-based): chr19:2,130,444, G>T on the plus strand (C>A on the coding strand, the complement: AP3D1 is on the minus strand). VCF-style: chr19-2130444-G-T. GRCh37 (hg19) VCF-style: chr19-2130443-G-T.
Other names: c.556C>A, p.Pro186Thr (NM_001374799.1, NM_003938.8); short protein forms P186T.
Identifiers: ClinVar variation 1471046 (VCV001471046.8), dbSNP rs751564956, ClinGen allele CA403228034.
Genomic context (GRCh38, chr19:2,130,444, plus strand): 5'-GAGGCTTAACTCAAATCCACAAACCGGGGTCGGGGTCCTCCAGCTTCTCCTTCAGCCGGG[G>T]AAAGGCAGGGCGCAGCGACTCGGGGTACTTCAGGAACACCTTGTACATGATCAGCACAGC-3'
Protein context (NP_001248755.1, residues 176-196): KYPESLRPAF[Pro186Thr]RLKEKLEDPD

ClinVar aggregate classification (germline): Uncertain significance (1 of 4 stars; one submission).

Allele frequency attached by ClinVar (database versions not stated): TOPMed 0.00001.

Submission:

Labcorp Genetics (formerly Invitae), Labcorp
Classification: Uncertain significance. Last evaluated: 2022-07-11. Review status: criteria provided, single submitter. Criteria: Invitae Variant Classification Sherloc (09022015). Collection method: clinical testing. Allele origin: germline.
Comment: In summary, the available evidence is currently insufficient to determine the role of this variant in disease. Therefore, it has been classified as a Variant of Uncertain Significance. Algorithms developed to predict the effect of missense changes on protein structure and function are either unavailable or do not agree on the potential impact of this missense change (SIFT: "Deleterious"; PolyPhen-2: "Probably Damaging"; Align-GVGD: "Class C0"). ClinVar contains an entry for this variant (Variation ID: 1471046). This variant has not been reported in the literature in individuals affected with AP3D1-related conditions. This variant is not present in population databases (gnomAD no frequency). This sequence change replaces proline, which is neutral and non-polar, with threonine, which is neutral and polar, at codon 186 of the AP3D1 protein (p.Pro186Thr).